The following is an entry in ClinVar:

NM_001165963.4(SCN1A):c.4002+2579T>A

Genes: SCN1A (sodium voltage-gated channel alpha subunit 1; minus strand), LOC102724058 (uncharacterized LOC102724058; plus strand). Cytogenetic location: 2q24.3.
Variant type: single nucleotide variant.
Coding change: c.4002+2579T>A on transcript NM_001165963.4 (MANE Select); 2579 bases into the intron after coding-DNA position 4002, T replaced by A.
Molecular consequence: intron variant.
Genome position (GRCh38, 1-based): chr2:166,007,140, A>T on the plus strand (T>A on the coding strand, the complement: SCN1A is on the minus strand). VCF-style: chr2-166007140-A-T. GRCh37 (hg19) VCF-style: chr2-166863650-A-T.
Other names: c.3969+2579T>A (NM_001353949.2, NM_001353950.2, NM_001353951.2 and 2 more transcripts); c.3918+2579T>A (NM_001353958.2, NM_001353957.2, NM_001165964.3); c.4002+2579T>A (NM_001202435.3, NM_001353948.2); c.3966+2579T>A (NM_001353955.2, NM_001353954.2); c.3915+2579T>A (NM_001353960.2); c.1560+2579T>A (NM_001353961.2).
Identifiers: ClinVar variation 1538779 (VCV001538779.9), dbSNP rs947601907, ClinGen allele CA2573133055.

ClinVar aggregate classification (germline): Uncertain significance (1 of 4 stars; one submission).

Conditions:
Early-infantile DEE. Also called: Early infantile epileptic encephalopathy; Ohtahara syndrome; Early infantile epileptic encephalopathy with suppression bursts. Identifiers: Orphanet 1934, MedGen C0393706, MONDO:0800491.

Submission:

Labcorp Genetics (formerly Invitae), Labcorp
Classification: Uncertain significance for Early-infantile DEE. Last evaluated: 2024-05-15. Review status: criteria provided, single submitter. Criteria: Invitae Variant Classification Sherloc (09022015). Collection method: clinical testing. Allele origin: germline.
Comment: This sequence change falls in intron 20 of the SCN1A gene. It does not directly change the encoded amino acid sequence of the SCN1A protein. However, this sequence change falls within a region encompassing a cryptic exon in the SCN1A gene, in which variants have been shown to alter splicing (PMID: 30526861, 34107977). This variant is not present in population databases (gnomAD no frequency). This variant has not been reported in the literature in individuals affected with SCN1A-related conditions. ClinVar contains an entry for this variant (Variation ID: 1538779). Algorithms developed to predict the effect of sequence changes on RNA splicing suggest that this variant is not likely to affect RNA splicing. In summary, the available evidence is currently insufficient to determine the role of this variant in disease. Therefore, it has been classified as a Variant of Uncertain Significance.

Literature cited by the submitters: PubMed 30526861; PubMed 34107977.